The following is an entry in ClinVar:

ClinVar aggregate classification (germline): Uncertain significance. Review status: criteria provided, multiple submitters, no conflicts (2 of 4 stars). 3 submissions from 3 submitters: Uncertain significance (3). Last evaluated 2025-05-19.

Conditions:
ALG1-congenital disorder of glycosylation. Also called: CDG Ik; ALG1-CDG; CONGENITAL DISORDER OF GLYCOSYLATION, TYPE Ik. Identifiers: Orphanet 79327, MedGen C2931005, MONDO:0012052, OMIM 608540.
Inborn genetic diseases. Identifiers: MedGen C0950123, MeSH D030342.

Allele frequency attached by ClinVar (database versions not stated): gnomAD exomes 0.00004; ExAC 0.00005; gnomAD 0.00005 and 0.00006; TOPMed 0.00005; ESP Exome Variant Server 0.00023.
gnomAD v4.1: 51 of 1,612,782 alleles (0.0032%); highest among the groups gnomAD compares: African/African-American, 0.016%; no homozygotes.

Submissions (3):

Ambry Genetics
Classification: Uncertain significance for Inborn genetic diseases. Last evaluated: 2025-05-19. Review status: criteria provided, single submitter. Criteria: Ambry Variant Classification Scheme 2023. Collection method: clinical testing. Allele origin: germline.

Fulgent Genetics
Classification: Uncertain significance for ALG1-congenital disorder of glycosylation. Last evaluated: 2024-05-14. Review status: criteria provided, single submitter. Criteria: ACMG Guidelines, 2015. Collection method: clinical testing. Allele origin: germline.

Labcorp Genetics (formerly Invitae), Labcorp
Classification: Uncertain significance for ALG1-congenital disorder of glycosylation. Last evaluated: 2022-07-12. Review status: criteria provided, single submitter. Criteria: Invitae Variant Classification Sherloc (09022015). Collection method: clinical testing. Allele origin: germline.
Comment: This sequence change replaces threonine, which is neutral and polar, with methionine, which is neutral and non-polar, at codon 255 of the ALG1 protein (p.Thr255Met). This variant is present in population databases (rs143906919, gnomAD 0.03%). This variant has not been reported in the literature in individuals affected with ALG1-related conditions. ClinVar contains an entry for this variant (Variation ID: 1434020). Advanced modeling of protein sequence and biophysical properties (such as structural, functional, and spatial information, amino acid conservation, physicochemical variation, residue mobility, and thermodynamic stability) performed at Invitae indicates that this missense variant is not expected to disrupt ALG1 protein function. In summary, the available evidence is currently insufficient to determine the role of this variant in disease. Therefore, it has been classified as a Variant of Uncertain Significance.

NM_019109.5(ALG1):c.764C>T (p.Thr255Met)

Gene: ALG1 (ALG1 chitobiosyldiphosphodolichol beta-mannosyltransferase; plus strand). Cytogenetic location: 16p13.3.
Variant type: single nucleotide variant.
Coding change: c.764C>T on transcript NM_019109.5 (MANE Select); coding-DNA position 764, C replaced by T.
Protein change: p.Thr255Met; replaces threonine 255 with methionine.
Molecular consequence: missense variant.
Genome position (GRCh38, 1-based): chr16:5,078,780, C>T. VCF-style: chr16-5078780-C-T. GRCh37 (hg19) VCF-style: chr16-5128781-C-T.
Other names: c.431C>T, p.Thr144Met (NM_001330504.2); c.764C>T (NM_019109.4); short protein forms T144M, T255M.
Identifiers: ClinVar variation 1434020 (VCV001434020.8), dbSNP rs143906919, ClinGen allele CA7890006.